The following is an entry in ClinVar:

NC_000023.10:g.(?_31745485)_(32328413_?)del

Gene: DMD (dystrophin; minus strand). Cytogenetic location: Xp21.1.
Variant type: Deletion.
Identifiers: ClinVar variation 3248152 (VCV003248152.1).

ClinVar aggregate classification (germline): Pathogenic (1 of 4 stars; one submission).

Conditions:
Duchenne muscular dystrophy (DMD). Also called: MUSCULAR DYSTROPHY, PSEUDOHYPERTROPHIC PROGRESSIVE, DUCHENNE TYPE; Duchenne Muscular Dystrophy (DMD). Identifiers: Orphanet 98896, MedGen C0013264, MONDO:0010679, OMIM 310200.

Submission:

Labcorp Genetics (formerly Invitae), Labcorp
Classification: Pathogenic for Duchenne muscular dystrophy. Last evaluated: 2023-12-27. Review status: criteria provided, single submitter. Criteria: Invitae Variant Classification Sherloc (09022015). Collection method: clinical testing. Allele origin: unknown.
Comment: This variant is a gross deletion of the genomic region encompassing exon(s) 42-52 of the DMD gene. This deletion is out-of-frame, and is expected to create a premature termination codon and result in an absent or disrupted protein product. Loss-of-function variants in DMD are known to be pathogenic (PMID: 16770791, 25007885). This variant has not been reported in the literature in individuals affected with DMD-related conditions. For these reasons, this variant has been classified as Pathogenic.

Literature cited by the submitters: PubMed 16770791; PubMed 25007885.